The following is an entry in ClinVar:

ClinVar aggregate classification (germline): Uncertain significance. Review status: criteria provided, multiple submitters, no conflicts (2 of 4 stars). 3 submissions from 3 submitters: Uncertain significance (3). Last evaluated 2023-07-07.

Conditions:
Congenital myasthenic syndrome 8. Also called: MYASTHENIC SYNDROME, CONGENITAL, DUE TO AGRIN DEFICIENCY; Myasthenic syndrome, congenital, 8, with pre- and postsynaptic defects. Identifiers: Orphanet 590, MedGen C3808739, MONDO:0014052, OMIM 615120.
Inborn genetic diseases. Identifiers: MedGen C0950123, MeSH D030342.

Allele frequency attached by ClinVar (database versions not stated): gnomAD 0.00001 and 0.00002; gnomAD exomes 0.00001; TOPMed 0.00002; ExAC 0.00003; ESP Exome Variant Server 0.00008.
gnomAD v4.1: 22 of 1,603,880 alleles (0.0014%); highest among the groups gnomAD compares: Middle Eastern, 0.017%; no homozygotes.

Submissions (3):

Labcorp Genetics (formerly Invitae), Labcorp
Classification: Uncertain significance for Congenital myasthenic syndrome 8. Last evaluated: 2023-07-07. Review status: criteria provided, single submitter. Criteria: Invitae Variant Classification Sherloc (09022015). Collection method: clinical testing. Allele origin: germline.
Comment: This sequence change replaces arginine, which is basic and polar, with tryptophan, which is neutral and slightly polar, at codon 1221 of the AGRN protein (p.Arg1221Trp). This variant is present in population databases (rs374345060, gnomAD 0.002%). This variant has not been reported in the literature in individuals affected with AGRN-related conditions. ClinVar contains an entry for this variant (Variation ID: 850280). An algorithm developed to predict the effect of missense changes on protein structure and function (PolyPhen-2) suggests that this variant is likely to be disruptive. In summary, the available evidence is currently insufficient to determine the role of this variant in disease. Therefore, it has been classified as a Variant of Uncertain Significance.

Ambry Genetics
Classification: Uncertain significance for Inborn genetic diseases. Last evaluated: 2021-09-01. Review status: criteria provided, single submitter. Criteria: Ambry Variant Classification Scheme 2023. Collection method: clinical testing. Allele origin: germline.

Breakthrough Genomics
Classification: Uncertain significance. Review status: criteria provided, single submitter. Criteria: ACMG Guidelines, 2015. Collection method: not provided. Allele origin: germline. Inheritance: Autosomal recessive inheritance. Affected: yes.

NM_198576.4(AGRN):c.3661C>T (p.Arg1221Trp)

Gene: AGRN (agrin; plus strand). Cytogenetic location: 1p36.33.
Variant type: single nucleotide variant.
Coding change: c.3661C>T on transcript NM_198576.4 (MANE Select); coding-DNA position 3661, C replaced by T.
Protein change: p.Arg1221Trp; replaces arginine 1221 with tryptophan.
Molecular consequence: missense variant.
Genome position (GRCh38, 1-based): chr1:1,047,805, C>T. VCF-style: chr1-1047805-C-T. GRCh37 (hg19) VCF-style: chr1-983185-C-T.
Other names: c.3661C>T, p.Arg1221Trp (NM_001305275.2); c.3346C>T, p.Arg1116Trp (NM_001364727.2); short protein forms R1221W, R1116W.
Identifiers: ClinVar variation 850280 (VCV000850280.7), dbSNP rs374345060, ClinGen allele CA509179.